The following is an entry in ClinVar:

NM_000465.4(BARD1):c.163A>G (p.Asn55Asp)

Gene: BARD1 (BRCA1 associated RING domain 1; minus strand). Cytogenetic location: 2q35.
Variant type: single nucleotide variant.
Coding change: c.163A>G on transcript NM_000465.4 (MANE Select); coding-DNA position 163, A replaced by G.
Protein change: p.Asn55Asp; replaces asparagine 55 with aspartic acid.
Molecular consequence: missense variant. On other transcripts: non-coding transcript variant (2), intron variant (2).
Genome position (GRCh38, 1-based): chr2:214,797,113, T>C on the plus strand (A>G on the coding strand, the complement: BARD1 is on the minus strand). VCF-style: chr2-214797113-T-C. GRCh37 (hg19) VCF-style: chr2-215661837-T-C.
Other names: c.158+12299A>G (NM_001282548.2); c.159-4668A>G (NM_001282543.2); c.163A>G, p.Asn55Asp (NM_001282545.2, NM_001282549.2); short protein forms N55D.
Identifiers: ClinVar variation 530075 (VCV000530075.16), dbSNP rs1039799564, ClinGen allele CA350462329.
Genomic context (GRCh38, chr2:214,797,113, plus strand): 5'-TTACTTACCTACAGAAGATGTGCTCACATCCTCCTAAACACACAGGCTCTCTCAGAATGT[T>C]AGTACTGTTTGAAGAAATTAAAACAATCAAGATTTGAGTCATTGTTAGATAAACATCTCA-3'
Protein context (NP_000456.2, residues 45-65): EKLLRCSRCT[Asn55Asp]ILREPVCLGG

ClinVar aggregate classification (germline): Conflicting classifications of pathogenicity. Review status: criteria provided, conflicting classifications (1 of 4 stars). 3 submissions from 3 submitters: Uncertain significance (2); Likely benign (1). Last evaluated 2024-02-23.

Conditions:
Hereditary cancer-predisposing syndrome. Also called: Hereditary neoplastic syndrome; Neoplastic Syndromes, Hereditary; Hereditary Cancer Syndrome; Tumor predisposition. Identifiers: Orphanet 140162, MedGen C0027672, MeSH D009386, MONDO:0015356.
Familial cancer of breast. Also called: BREAST CANCER, FAMILIAL; Hereditary breast cancer; hereditary breast carcinoma. Identifiers: Orphanet 227535, MedGen C0346153, MONDO:0016419, OMIM 114480. Disease mechanism: loss of function.

gnomAD v4.1: 1 of 1,612,504 alleles (0.000062%); highest among the groups gnomAD compares: South Asian, 0.0011%; no homozygotes.

Submissions (3):

Ambry Genetics
Classification: Likely benign for Hereditary cancer-predisposing syndrome. Last evaluated: 2024-02-23. Review status: criteria provided, single submitter. Criteria: Ambry Variant Classification Scheme 2023. Collection method: clinical testing. Allele origin: germline.

Labcorp Genetics (formerly Invitae), Labcorp
Classification: Uncertain significance for Familial cancer of breast. Last evaluated: 2024-02-19. Review status: criteria provided, single submitter. Criteria: Invitae Variant Classification Sherloc (09022015). Collection method: clinical testing. Allele origin: germline.
Comment: This sequence change replaces asparagine, which is neutral and polar, with aspartic acid, which is acidic and polar, at codon 55 of the BARD1 protein (p.Asn55Asp). This variant is not present in population databases (gnomAD no frequency). This variant has not been reported in the literature in individuals affected with BARD1-related conditions. ClinVar contains an entry for this variant (Variation ID: 530075). Algorithms developed to predict the effect of missense changes on protein structure and function output the following: SIFT: "Not Available"; PolyPhen-2: "Benign"; Align-GVGD: "Not Available". The aspartic acid amino acid residue is found in multiple mammalian species, which suggests that this missense change does not adversely affect protein function. In summary, the available evidence is currently insufficient to determine the role of this variant in disease. Therefore, it has been classified as a Variant of Uncertain Significance.

Quest Diagnostics Nichols Institute San Juan Capistrano
Classification: Uncertain significance. Last evaluated: 2023-12-13. Review status: criteria provided, single submitter. Criteria: Quest Diagnostics criteria. Collection method: clinical testing. Allele origin: unknown.
Comment: The BARD1 c.163A>G (p.Asn55Asp) variant has been observed in an individual with breast cancer in a large scale breast cancer association study (see LOVD and PMID: 33471991 (2021)). This variant has not been reported in large, multi-ethnic general populations (Genome Aggregation Database). Analysis of this variant using bioinformatics tools for the prediction of the effect of amino acid changes on protein structure and function yielded predictions that this variant is benign. Based on the available information, we are unable to determine the clinical significance of this variant.

Literature cited by the submitters: PubMed 33471991 (cited by Quest Diagnostics Nichols Institute San Juan Capistrano).